The following is an entry in ClinVar:

NM_004795.4(KL):c.2153T>G (p.Phe718Cys)

Gene: KL (klotho; plus strand). Cytogenetic location: 13q13.1.
Variant type: single nucleotide variant.
Coding change: c.2153T>G on transcript NM_004795.4 (MANE Select); coding-DNA position 2153, T replaced by G.
Protein change: p.Phe718Cys; replaces phenylalanine 718 with cysteine.
Molecular consequence: missense variant.
Genome position (GRCh38, 1-based): chr13:33,061,232, T>G. VCF-style: chr13-33061232-T-G. GRCh37 (hg19) VCF-style: chr13-33635369-T-G.
Other names: short protein forms F718C.
Identifiers: ClinVar variation 2806093 (VCV002806093.3), dbSNP rs888110462, ClinGen allele CA247531931.

ClinVar aggregate classification (germline): Uncertain significance (1 of 4 stars; one submission).

Allele frequency attached by ClinVar (database versions not stated): gnomAD exomes below 0.00001; gnomAD 0.00001; TOPMed 0.00001.
gnomAD v4.1: 3 of 1,614,122 alleles (0.00019%); highest among the groups gnomAD compares: Non-Finnish European, 0.00025%; no homozygotes.

Submission:

Labcorp Genetics (formerly Invitae), Labcorp
Classification: Uncertain significance. Last evaluated: 2023-08-01. Review status: criteria provided, single submitter. Criteria: Invitae Variant Classification Sherloc (09022015). Collection method: clinical testing. Allele origin: germline.
Comment: In summary, the available evidence is currently insufficient to determine the role of this variant in disease. Therefore, it has been classified as a Variant of Uncertain Significance. This sequence change replaces phenylalanine, which is neutral and non-polar, with cysteine, which is neutral and slightly polar, at codon 718 of the KL protein (p.Phe718Cys). This variant is not present in population databases (gnomAD no frequency). This variant has not been reported in the literature in individuals affected with KL-related conditions. Advanced modeling of protein sequence and biophysical properties (such as structural, functional, and spatial information, amino acid conservation, physicochemical variation, residue mobility, and thermodynamic stability) has been performed at Invitae for this missense variant, however the output from this modeling did not meet the statistical confidence thresholds required to predict the impact of this variant on KL protein function.